The following is an entry in ClinVar:

ClinVar aggregate classification (germline): Pathogenic. Review status: criteria provided, multiple submitters, no conflicts (2 of 4 stars). 2 submissions from 2 submitters: Pathogenic (2). Last evaluated 2026-08-24.

Conditions:
CYP21A2-related disorder. Also called: CYP21A2-related condition.

Allele frequency attached by ClinVar (database versions not stated): TOPMed below 0.00001.

Submissions (2):

PreventionGenetics, part of Exact Sciences
Classification: Pathogenic for CYP21A2-related condition. Last evaluated: 2026-08-24. Review status: criteria provided, single submitter. Criteria: ACMG Guidelines, 2015. Collection method: clinical testing. Allele origin: germline.
Comment: The CYP21A2 c.1011C>G variant is predicted to result in premature protein termination (p.Tyr337*). This variant has been reported to be pathogenic for congenital adrenal hyperplasia (CAH) due to 21-hydroxylase deficiency (also known as Y336X; Bernal Gonzalez et al. 2006. PubMed ID: 17145028). This variant is reported in 0.00090% of alleles in individuals of European (Non-Finnish) descent in gnomAD. This variant falls within a highly paralogous region. Allele frequency data should be interpreted with caution. Nonsense variants in CYP21A2 are expected to be pathogenic and associated with salt-wasting (SW) CAH as a null allele. This variant is interpreted as pathogenic.

Labcorp Genetics (formerly Invitae), Labcorp
Classification: Pathogenic. Last evaluated: 2024-01-09. Review status: criteria provided, single submitter. Criteria: Invitae Variant Classification Sherloc (09022015). Collection method: clinical testing. Allele origin: germline.
Comment: This sequence change creates a premature translational stop signal (p.Tyr337*) in the CYP21A2 gene. It is expected to result in an absent or disrupted protein product. Loss-of-function variants in CYP21A2 are known to be pathogenic (PMID: 10857554). The frequency data for this variant in the population databases (gnomAD) is considered unreliable due to the presence of homologous sequence, such as pseudogenes or paralogs, in the genome. This premature translational stop signal has been observed in individual(s) with non-classic congenital adrenal hyperplasia due to 21-hydroxylase deficiency (PMID: 17145028). It has also been observed to segregate with disease in related individuals. This variant is also known as Y336X. For these reasons, this variant has been classified as Pathogenic.

Literature cited by the submitters: PubMed 10857554 (cited by Labcorp Genetics (formerly Invitae), Labcorp); PubMed 17145028 (cited by Labcorp Genetics (formerly Invitae), Labcorp).

NM_000500.9(CYP21A2):c.1011C>G (p.Tyr337Ter)

Genes: CYP21A2 (cytochrome P450 family 21 subfamily A member 2; plus strand), LOC106780800 (CYP21A2 recombination region; plus strand). Cytogenetic location: 6p21.33.
Variant type: single nucleotide variant.
Coding change: c.1011C>G on transcript NM_000500.9 (MANE Select); coding-DNA position 1011, C replaced by G.
Protein change: p.Tyr337Ter; replaces tyrosine 337 with a stop codon.
Molecular consequence: nonsense.
Genome position (GRCh38, 1-based): chr6:32,040,477, C>G. VCF-style: chr6-32040477-C-G. GRCh37 (hg19) VCF-style: chr6-32008254-C-G.
Other names: c.921C>G, p.Tyr307Ter (NM_001128590.4); c.606C>G, p.Tyr202Ter (NM_001368143.2, NM_001368144.2); c.1011C>G (NM_000500.7); short protein forms Y202*, Y337*, Y307*.
Identifiers: ClinVar variation 2734843 (VCV002734843.4), dbSNP rs139392370, ClinGen allele CA3732612.
Genomic context (GRCh38, chr6:32,040,477, plus strand): 5'-ACTGCAGGAGGAGCTAGACCACGAACTGGGCCCTGGTGCCTCCAGCTCCCGGGTCCCCTA[C>G]AAGGACCGTGCACGGCTGCCCTTGCTCAATGCCACCATCGCCGAGGTGCTGCGCCTGCGG-3'